The following is an entry in ClinVar:

NM_001204.7(BMPR2):c.2740G>C (p.Asp914His)

Gene: BMPR2 (bone morphogenetic protein receptor type 2; plus strand). Cytogenetic location: 2q33.2.
Variant type: single nucleotide variant.
Coding change: c.2740G>C on transcript NM_001204.7 (MANE Select); coding-DNA position 2740, G replaced by C.
Protein change: p.Asp914His; replaces aspartic acid 914 with histidine.
Molecular consequence: missense variant.
Genome position (GRCh38, 1-based): chr2:202,556,405, G>C. VCF-style: chr2-202556405-G-C. GRCh37 (hg19) VCF-style: chr2-203421128-G-C.
Other names: short protein forms D914H.
Identifiers: ClinVar variation 4597453 (VCV004597453.1).

ClinVar aggregate classification (germline): Uncertain significance (1 of 4 stars; one submission).

Conditions:
Inborn genetic diseases. Identifiers: MedGen C0950123, MeSH D030342.

gnomAD v4.1: 1 of 1,614,072 alleles (0.000062%); highest among the groups gnomAD compares: Non-Finnish European, 0.000085%; no homozygotes.

Submission:

Ambry Genetics
Classification: Uncertain significance for Inborn genetic diseases. Last evaluated: 2025-10-23. Review status: criteria provided, single submitter. Criteria: Ambry Variant Classification Scheme 2023. Collection method: clinical testing. Allele origin: germline.
Comment: The p.D914H variant (also known as c.2740G>C), located in coding exon 12 of the BMPR2 gene, results from a G to C substitution at nucleotide position 2740. The aspartic acid at codon 914 is replaced by histidine, an amino acid with similar properties. This amino acid position is conserved. In addition, this alteration is predicted to be tolerated by in silico analysis. Based on the available evidence, the clinical significance of this variant remains unclear.